The following is an entry in ClinVar:

ClinVar aggregate classification (germline): Benign/Likely benign. Review status: criteria provided, multiple submitters, no conflicts (2 of 4 stars). 8 submissions from 8 submitters: Benign (1); Likely benign (7). Last evaluated 2026-01-13.

Conditions:
Hereditary cancer-predisposing syndrome. Also called: Neoplastic Syndromes, Hereditary; Hereditary neoplastic syndrome; Tumor predisposition; Hereditary Cancer Syndrome. Identifiers: Orphanet 140162, MedGen C0027672, MeSH D009386, MONDO:0015356.
ATM-related cancer predisposition. Also called: ATM-related cancer susceptibility. Identifiers: MedGen CN377759, MONDO:0700270.
Familial cancer of breast. Also called: hereditary breast carcinoma; Hereditary breast cancer; BREAST CANCER, FAMILIAL. Identifiers: Orphanet 227535, MedGen C0346153, MONDO:0016419, OMIM 114480. Disease mechanism: loss of function.
Ataxia-telangiectasia syndrome (AT). Also called: Ataxia telangiectasia (A-T); Cerebello-oculocutaneous telangiectasia; Immunodeficiency with ataxia telangiectasia; LOUIS-BAR SYNDROME; AT, COMPLEMENTATION GROUP C; ATAXIA-TELANGIECTASIA, FRESNO VARIANT. Identifiers: Orphanet 100, MedGen C0004135, MONDO:0008840, OMIM 208900.

Allele frequency attached by ClinVar (database versions not stated): ExAC 0.00001; gnomAD exomes below 0.00001 and 0.00002; gnomAD 0.00001; TOPMed 0.00001; ESP Exome Variant Server 0.00008.
gnomAD v4.1: 27 of 1,613,882 alleles (0.0017%); highest among the groups gnomAD compares: Non-Finnish European, 0.0023%; no homozygotes.

Submissions (8):

Labcorp Genetics (formerly Invitae), Labcorp
Classification: Likely benign for Ataxia-telangiectasia syndrome. Last evaluated: 2026-01-13. Review status: criteria provided, single submitter. Criteria: Invitae Variant Classification Sherloc (09022015). Collection method: clinical testing. Allele origin: germline.

Myriad Genetics, Inc.
Classification: Benign for Familial cancer of breast. Last evaluated: 2024-06-18. Review status: criteria provided, single submitter. Criteria: Myriad Autosomal Dominant, Autosomal Recessive and X-Linked Classification Criteria (2023). Collection method: clinical testing. Allele origin: unknown.
Comment: This variant is considered benign. This variant is a silent/synonymous amino acid change and it is not expected to impact splicing.

Women's Health and Genetics/Laboratory Corporation of America, LabCorp
Classification: Likely benign. Last evaluated: 2021-09-22. Review status: criteria provided, single submitter. Criteria: LabCorp Variant Classification Summary - May 2015. Collection method: clinical testing. Allele origin: germline.

Department of Pathology and Laboratory Medicine, Sinai Health System
Classification: Likely benign for ATM-related cancer predisposition. Last evaluated: 2021-03-19. Review status: criteria provided, single submitter. Criteria: ACMG Guidelines, 2015. Collection method: clinical testing. Allele origin: germline. Affected: yes.

Sema4
Classification: Likely benign for Hereditary cancer-predisposing syndrome. Last evaluated: 2021-01-11. Review status: criteria provided, single submitter. Criteria: Sema4 Curation Guidelines. Collection method: curation. Allele origin: germline.

GeneDx
Classification: Likely benign. Last evaluated: 2018-12-21. Review status: criteria provided, single submitter. Criteria: GeneDx Variant Classification Process June 2021. Collection method: clinical testing. Allele origin: germline. Affected: yes.

Color Diagnostics, LLC DBA Color Health
Classification: Likely benign for Hereditary cancer-predisposing syndrome. Last evaluated: 2016-07-27. Review status: criteria provided, single submitter. Criteria: ACMG Guidelines, 2015. Collection method: clinical testing. Allele origin: germline.

Ambry Genetics
Classification: Likely benign for Hereditary cancer-predisposing syndrome. Last evaluated: 2015-06-19. Review status: criteria provided, single submitter. Criteria: Ambry Variant Classification Scheme 2023. Collection method: clinical testing. Allele origin: germline.

NM_000051.4(ATM):c.8178T>C (p.Ala2726=)

Genes: C11orf65 (chromosome 11 open reading frame 65; minus strand), ATM (ATM serine/threonine kinase; plus strand). Cytogenetic location: 11q22.3.
Variant type: single nucleotide variant.
Coding change: c.8178T>C on transcript NM_000051.4 (MANE Select); coding-DNA position 8178, T replaced by C.
Protein change: p.Ala2726=; no amino-acid change (alanine 2726 retained).
Molecular consequence: synonymous variant. On other transcripts: intron variant (2).
Genome position (GRCh38, 1-based): chr11:108,335,871, T>C. VCF-style: chr11-108335871-T-C. GRCh37 (hg19) VCF-style: chr11-108206598-T-C.
Other names: c.8178T>C, p.Ala2726= (NM_001351834.2); c.641-26800A>G (NM_001330368.2); c.695-579A>G (NM_001351110.2).
Identifiers: ClinVar variation 232558 (VCV000232558.22), dbSNP rs367575159, ClinGen allele CA6266316.